The following is an entry in ClinVar:

ClinVar aggregate classification (germline): Uncertain significance (1 of 4 stars; one submission).

Conditions:
Microcephaly-intellectual disability-sensorineural hearing loss-epilepsy-abnormal muscle tone syndrome (NEDHSB). Also called: NEURODEVELOPMENTAL DISORDER WITH HEARING LOSS, SEIZURES, AND BRAIN ABNORMALITIES. Identifiers: Orphanet 457351, MedGen C4225276, MONDO:0014698, OMIM 616577.

Allele frequency attached by ClinVar (database versions not stated): ESP Exome Variant Server 0.00008; ExAC 0.00001; gnomAD exomes below 0.00001.

Submission:

Baylor Genetics
Classification: Uncertain significance for Microcephaly-intellectual disability-sensorineural hearing loss-epilepsy-abnormal muscle tone syndrome. Last evaluated: 2019-07-10. Review status: criteria provided, single submitter. Criteria: ACMG Guidelines, 2015. Collection method: clinical testing. Allele origin: unknown. Affected: yes.
Comment: This variant was determined to be of uncertain significance according to ACMG Guidelines, 2015 [PMID:25741868].

NM_145207.3(AFG2A):c.1967T>C (p.Met656Thr)

Gene: AFG2A (AFG2 AAA ATPase homolog A; plus strand). Cytogenetic location: 4q28.1.
Variant type: single nucleotide variant.
Coding change: c.1967T>C on transcript NM_145207.3 (MANE Select); coding-DNA position 1967, T replaced by C.
Protein change: p.Met656Thr; replaces methionine 656 with threonine.
Molecular consequence: missense variant.
Genome position (GRCh38, 1-based): chr4:123,028,283, T>C. VCF-style: chr4-123028283-T-C. GRCh37 (hg19) VCF-style: chr4-123949438-T-C.
Other names: c.1964T>C, p.Met655Thr (NM_001317799.2, NM_001345856.2); short protein forms M656T, M655T.
Identifiers: ClinVar variation 1031191 (VCV001031191.1), dbSNP rs367935913, ClinGen allele CA3070594.